The following is an entry in ClinVar:

NM_001042492.3(NF1):c.4921del (p.Ile1641fs)

Gene: NF1 (neurofibromin 1; plus strand). Cytogenetic location: 17q11.2.
Variant type: Deletion.
Coding change: c.4921del on transcript NM_001042492.3 (MANE Select); coding-DNA position 4921, one base deleted (A; older notation c.4921delA).
Protein change: p.Ile1641fs; shifts the reading frame from isoleucine 1641.
Molecular consequence: frameshift variant.
Genome position (GRCh38, 1-based): chr17:31,325,905, A deleted; the last of 3 consecutive A bases (chr17:31,325,903-31,325,905); deleting any one gives the same sequence. VCF-style (leftmost placement, unchanged base first): chr17-31325902-GA-G. GRCh37 (hg19) VCF-style: chr17-29652920-GA-G.
Other names: c.4858delA, p.Ile1620Leufs (NM_000267.4); short protein forms I1641fs, I1620fs.
Identifiers: ClinVar variation 2866548 (VCV002866548.3), dbSNP rs2508695004, ClinGen allele CA2739267453.

ClinVar aggregate classification (germline): Pathogenic (1 of 4 stars; one submission).

Conditions:
Neurofibromatosis, type 1 (NF1). Also called: Neurofibromatosis, type I; NEUROFIBROMATOSIS, TYPE I, SOMATIC; Peripheral type neurofibromatosis; VON RECKLINGHAUSEN DISEASE. Identifiers: Orphanet 636, MedGen C0027831, MONDO:0018975, OMIM 162200. Disease mechanism: loss of function.

Submission:

Labcorp Genetics (formerly Invitae), Labcorp
Classification: Pathogenic for Neurofibromatosis, type 1. Last evaluated: 2023-05-21. Review status: criteria provided, single submitter. Criteria: Invitae Variant Classification Sherloc (09022015). Collection method: clinical testing. Allele origin: germline.
Comment: For these reasons, this variant has been classified as Pathogenic. This variant has not been reported in the literature in individuals affected with NF1-related conditions. This variant is not present in population databases (gnomAD no frequency). This sequence change creates a premature translational stop signal (p.Ile1620Leufs*2) in the NF1 gene. It is expected to result in an absent or disrupted protein product. Loss-of-function variants in NF1 are known to be pathogenic (PMID: 10712197, 23913538).

Literature cited by the submitters: PubMed 10712197; PubMed 23913538.